The following is an entry in ClinVar:

ClinVar aggregate classification (germline): Uncertain significance (1 of 4 stars; one submission).

Conditions:
Cardiovascular phenotype. Identifiers: MedGen CN230736.

gnomAD v4.1: 1 of 1,566,472 alleles (0.000064%); highest among the groups gnomAD compares: Non-Finnish European, 0.000087%; no homozygotes.

Submission:

Ambry Genetics
Classification: Uncertain significance for Cardiovascular phenotype. Last evaluated: 2022-06-14. Review status: criteria provided, single submitter. Criteria: Ambry Variant Classification Scheme 2023. Collection method: clinical testing. Allele origin: germline.
Comment: The p.S1126R variant (also known as c.3378C>A), located in coding exon 8 of the HCN4 gene, results from a C to A substitution at nucleotide position 3378. The serine at codon 1126 is replaced by arginine, an amino acid with dissimilar properties. This amino acid position is conserved. In addition, this alteration is predicted to be tolerated by in silico analysis. Since supporting evidence is limited at this time, the clinical significance of this alteration remains unclear.

NM_005477.3(HCN4):c.3378C>A (p.Ser1126Arg)

Gene: HCN4 (hyperpolarization activated cyclic nucleotide gated potassium channel 4; minus strand). Cytogenetic location: 15q24.1.
Variant type: single nucleotide variant.
Coding change: c.3378C>A on transcript NM_005477.3 (MANE Select); coding-DNA position 3378, C replaced by A.
Protein change: p.Ser1126Arg; replaces serine 1126 with arginine.
Molecular consequence: missense variant.
Genome position (GRCh38, 1-based): chr15:73,322,715, G>T on the plus strand (C>A on the coding strand, the complement: HCN4 is on the minus strand). VCF-style: chr15-73322715-G-T. GRCh37 (hg19) VCF-style: chr15-73615056-G-T.
Other names: short protein forms S1126R.
Identifiers: ClinVar variation 1730783 (VCV001730783.2), dbSNP rs758673317, ClinGen allele CA393085446.
Genomic context (GRCh38, chr15:73,322,715, plus strand): 5'-GGGGATGGCACCATAGGGCCTCCCAGGGGGACCGAGGCCCCCGCTGCTCCCACTGCCCCC[G>T]CTGCCACCCCCAGCCCTGGGGAAGAGCGGGAAGGCAGCCATGGACTCCCCTGAGGAGTGC-3'
Protein context (NP_005468.1, residues 1116-1136): FPLFPRAGGG[Ser1126Arg]GGSGSSGGLG